The following is an entry in ClinVar:

ClinVar aggregate classification (germline): Likely pathogenic. Review status: criteria provided, multiple submitters, no conflicts (2 of 4 stars). 2 submissions from 2 submitters: Likely pathogenic (2). Last evaluated 2024-04-06.

Conditions:
Polycystic kidney disease 4 (PKD4). Also called: PKD3; POLYCYSTIC KIDNEY DISEASE 4 WITH OR WITHOUT POLYCYSTIC LIVER DISEASE; Autosomal Recessive Polycystic Kidney Disease – PKHD1; POLYCYSTIC KIDNEY AND HEPATIC DISEASE 1; POLYCYSTIC KIDNEY DISEASE, INFANTILE, TYPE I. Identifiers: MedGen C4540575, MONDO:0033004, OMIM 263200.
Autosomal recessive polycystic kidney disease (ARPKD). Also called: AR polycystic kidney disease. Identifiers: Orphanet 731, Orphanet 8378, MedGen C0085548, MeSH D017044, MONDO:0009889.

Allele frequency attached by ClinVar (database versions not stated): TOPMed 0.00001.
gnomAD v4.1: 3 of 1,610,780 alleles (0.00019%); highest among the groups gnomAD compares: Non-Finnish European, 0.00025%; no homozygotes.

Submissions (2):

Fulgent Genetics
Classification: Likely pathogenic for Polycystic kidney disease 4. Last evaluated: 2024-04-06. Review status: criteria provided, single submitter. Criteria: ACMG Guidelines, 2015. Collection method: clinical testing. Allele origin: germline.

Labcorp Genetics (formerly Invitae), Labcorp
Classification: Likely pathogenic for Autosomal recessive polycystic kidney disease. Last evaluated: 2024-01-04. Review status: criteria provided, single submitter. Criteria: Invitae Variant Classification Sherloc (09022015). Collection method: clinical testing. Allele origin: germline.
Comment: This sequence change replaces aspartic acid, which is acidic and polar, with asparagine, which is neutral and polar, at codon 3293 of the PKHD1 protein (p.Asp3293Asn). This variant is not present in population databases (gnomAD no frequency). This missense change has been observed in individual(s) with PKHD1-related disease (Invitae). In at least one individual the data is consistent with being in trans (on the opposite chromosome) from a pathogenic variant. It has also been observed to segregate with disease in related individuals. ClinVar contains an entry for this variant (Variation ID: 406892). Advanced modeling of protein sequence and biophysical properties (such as structural, functional, and spatial information, amino acid conservation, physicochemical variation, residue mobility, and thermodynamic stability) has been performed at Invitae for this missense variant, however the output from this modeling did not meet the statistical confidence thresholds required to predict the impact of this variant on PKHD1 protein function. This variant disrupts the p.Asp3293 amino acid residue in PKHD1. Other variant(s) that disrupt this residue have been determined to be pathogenic (PMID: 12506140, 12874454, 15698423). This suggests that this residue is clinically significant, and that variants that disrupt this residue are likely to be disease-causing. In summary, the currently available evidence indicates that the variant is pathogenic, but additional data are needed to prove that conclusively. Therefore, this variant has been classified as Likely Pathogenic.

Literature cited by the submitters: PubMed 12506140 (cited by Labcorp Genetics (formerly Invitae), Labcorp); PubMed 12874454 (cited by Labcorp Genetics (formerly Invitae), Labcorp); PubMed 15698423 (cited by Labcorp Genetics (formerly Invitae), Labcorp).

NM_138694.4(PKHD1):c.9877G>A (p.Asp3293Asn)

Gene: PKHD1 (PKHD1 ciliary IPT domain containing fibrocystin/polyductin; minus strand). Cytogenetic location: 6p12.3.
Variant type: single nucleotide variant.
Coding change: c.9877G>A on transcript NM_138694.4 (MANE Select); coding-DNA position 9877, G replaced by A.
Protein change: p.Asp3293Asn; replaces aspartic acid 3293 with asparagine.
Molecular consequence: missense variant.
Genome position (GRCh38, 1-based): chr6:51,746,842, C>T on the plus strand (G>A on the coding strand, the complement: PKHD1 is on the minus strand). VCF-style: chr6-51746842-C-T. GRCh37 (hg19) VCF-style: chr6-51611640-C-T.
Other names: c.9877G>A, p.Asp3293Asn (NM_170724.3); short protein forms D3293N.
Identifiers: ClinVar variation 406892 (VCV000406892.8), dbSNP rs1060501356, ClinGen allele CA16612174.